The following is an entry in ClinVar:

NM_177924.5(ASAH1):c.376C>T (p.Pro126Ser)

Gene: ASAH1 (N-acylsphingosine amidohydrolase 1; minus strand). Cytogenetic location: 8p22.
Variant type: single nucleotide variant.
Coding change: c.376C>T on transcript NM_177924.5 (MANE Select); coding-DNA position 376, C replaced by T.
Protein change: p.Pro126Ser; replaces proline 126 with serine.
Molecular consequence: missense variant.
Genome position (GRCh38, 1-based): chr8:18,067,226, G>A on the plus strand (C>T on the coding strand, the complement: ASAH1 is on the minus strand). VCF-style: chr8-18067226-G-A. GRCh37 (hg19) VCF-style: chr8-17924735-G-A.
Other names: c.358C>T, p.Pro120Ser (NM_001127505.3); c.181C>T, p.Pro61Ser (NM_001363743.2); c.424C>T, p.Pro142Ser (NM_004315.6); short protein forms P120S, P126S, P142S, P61S.
Identifiers: ClinVar variation 1437092 (VCV001437092.6), dbSNP rs199785411, ClinGen allele CA370432665.

ClinVar aggregate classification (germline): Uncertain significance (1 of 4 stars; one submission).

gnomAD v4.1: 1 of 1,591,394 alleles (0.000063%); highest among the groups gnomAD compares: South Asian, 0.0011%; no homozygotes.

Submission:

Labcorp Genetics (formerly Invitae), Labcorp
Classification: Uncertain significance. Last evaluated: 2021-02-26. Review status: criteria provided, single submitter. Criteria: Invitae Variant Classification Sherloc (09022015). Collection method: clinical testing. Allele origin: germline.
Comment: In summary, the available evidence is currently insufficient to determine the role of this variant in disease. Therefore, it has been classified as a Variant of Uncertain Significance. Algorithms developed to predict the effect of missense changes on protein structure and function (SIFT, PolyPhen-2, Align-GVGD) all suggest that this variant is likely to be disruptive, but these predictions have not been confirmed by published functional studies and their clinical significance is uncertain. This variant has not been reported in the literature in individuals with ASAH1-related conditions. This variant is not present in population databases (ExAC no frequency). This sequence change replaces proline with serine at codon 126 of the ASAH1 protein (p.Pro126Ser). The proline residue is highly conserved and there is a moderate physicochemical difference between proline and serine.